The following is an entry in ClinVar:

NM_022489.4(INF2):c.2906A>T (p.Glu969Val)

Gene: INF2 (inverted formin 2; plus strand). Cytogenetic location: 14q32.33.
Variant type: single nucleotide variant.
Coding change: c.2906A>T on transcript NM_022489.4 (MANE Select); coding-DNA position 2906, A replaced by T.
Protein change: p.Glu969Val; replaces glutamic acid 969 with valine.
Molecular consequence: missense variant.
Genome position (GRCh38, 1-based): chr14:104,713,472, A>T. VCF-style: chr14-104713472-A-T. GRCh37 (hg19) VCF-style: chr14-105179809-A-T.
Other names: c.2906A>T, p.Glu969Val (NM_001031714.4); short protein forms E969V.
Identifiers: ClinVar variation 2142757 (VCV002142757.4), dbSNP rs2541947934, ClinGen allele CA391222901.

ClinVar aggregate classification (germline): Uncertain significance (1 of 4 stars; one submission).

Conditions:
Focal segmental glomerulosclerosis 5 (FSGS5). Identifiers: Orphanet 656, MedGen C2750475, MONDO:0013191, OMIM 613237.
Charcot-Marie-Tooth disease dominant intermediate E. Also called: CHARCOT-MARIE-TOOTH NEUROPATHY WITH FOCAL SEGMENTAL GLOMERULONEPHRITIS. Identifiers: Orphanet 93114, MedGen C4302667, MONDO:0013758, OMIM 614455.

Submission:

Labcorp Genetics (formerly Invitae), Labcorp
Classification: Uncertain significance for Charcot-Marie-Tooth disease dominant intermediate E; Focal segmental glomerulosclerosis 5. Last evaluated: 2022-10-13. Review status: criteria provided, single submitter. Criteria: Invitae Variant Classification Sherloc (09022015). Collection method: clinical testing. Allele origin: germline.
Comment: This variant is not present in population databases (gnomAD no frequency). This sequence change replaces glutamic acid, which is acidic and polar, with valine, which is neutral and non-polar, at codon 969 of the INF2 protein (p.Glu969Val). This variant has not been reported in the literature in individuals affected with INF2-related conditions. In summary, the available evidence is currently insufficient to determine the role of this variant in disease. Therefore, it has been classified as a Variant of Uncertain Significance. Advanced modeling of protein sequence and biophysical properties (such as structural, functional, and spatial information, amino acid conservation, physicochemical variation, residue mobility, and thermodynamic stability) has been performed at Invitae for this missense variant, however the output from this modeling did not meet the statistical confidence thresholds required to predict the impact of this variant on INF2 protein function.